The following is an entry in ClinVar:

NM_000400.4(ERCC2):c.825G>C (p.Glu275Asp)

Gene: ERCC2 (ERCC excision repair 2, TFIIH core complex helicase subunit; minus strand). Cytogenetic location: 19q13.32.
Variant type: single nucleotide variant.
Coding change: c.825G>C on transcript NM_000400.4 (MANE Select); coding-DNA position 825, G replaced by C.
Protein change: p.Glu275Asp; replaces glutamic acid 275 with aspartic acid.
Molecular consequence: missense variant.
Genome position (GRCh38, 1-based): chr19:45,364,110, C>G on the plus strand (G>C on the coding strand, the complement: ERCC2 is on the minus strand). VCF-style: chr19-45364110-C-G. GRCh37 (hg19) VCF-style: chr19-45867368-C-G.
Other names: c.753G>C, p.Glu251Asp (NM_001130867.2); short protein forms E251D, E275D.
Identifiers: ClinVar variation 1762661 (VCV001762661.2), dbSNP rs2123288698, ClinGen allele CA406373842.
Genomic context (GRCh38, chr19:45,364,110, plus strand): 5'-GGCCTCCCGCAGCCCCTCCACCAGACGCCGGTACTCGTCCCGCAGGCGCTGCTCGTCTGT[C>G]TCTTTGATCCTGCGGAGAGATGAGCTGGGGCTGGGAGGGGGCTGGCAACCCTGGGGACAA-3'
Protein context (NP_000391.1, residues 265-285): TLQKTVLRIK[Glu275Asp]TDEQRLRDEY

ClinVar aggregate classification (germline): Uncertain significance (1 of 4 stars; one submission).

Conditions:
Inborn genetic diseases. Identifiers: MedGen C0950123, MeSH D030342.

Submission:

Ambry Genetics
Classification: Uncertain significance for Inborn genetic diseases. Last evaluated: 2022-08-29. Review status: criteria provided, single submitter. Criteria: Ambry Variant Classification Scheme 2023. Collection method: clinical testing. Allele origin: germline.
Comment: The p.E275D variant (also known as c.825G>C), located in coding exon 10 of the ERCC2 gene, results from a G to C substitution at nucleotide position 825. The glutamic acid at codon 275 is replaced by aspartic acid, an amino acid with highly similar properties. This amino acid position is conserved. In addition, this alteration is predicted to be tolerated by in silico analysis. Since supporting evidence is limited at this time, the clinical significance of this alteration remains unclear.